The following is an entry in ClinVar:

NM_015443.4(KANSL1):c.455C>T (p.Ala152Val)

Gene: KANSL1 (KAT8 regulatory NSL complex subunit 1). Cytogenetic location: 17q21.31.
Variant type: single nucleotide variant.
Coding change: c.455C>T on transcript NM_015443.4 (MANE Select); coding-DNA position 455, C replaced by T.
Protein change: p.Ala152Val; replaces alanine 152 with valine.
Molecular consequence: missense variant.
Genome position (GRCh38, 1-based): chr17:46,171,689, G>A on the plus strand (C>T on the coding strand, the complement: KANSL1 is on the minus strand). VCF-style: chr17-46171689-G-A. GRCh37 (hg19) VCF-style: chr17-44249055-G-A.
Other names: c.455C>T, p.Ala152Val (NM_001193465.2, NM_001193466.2, NM_001379198.1); short protein forms A152V.
Identifiers: ClinVar variation 944232 (VCV000944232.10), dbSNP rs775582928, ClinGen allele CA8619050.

ClinVar aggregate classification (germline): Uncertain significance. Review status: criteria provided, multiple submitters, no conflicts (2 of 4 stars). 2 submissions from 2 submitters: Uncertain significance (2). Last evaluated 2021-12-03.

Conditions:
Koolen-de Vries syndrome (KDVS). Identifiers: Orphanet 96169, MedGen C1864871, MONDO:0012496, OMIM 610443.

Allele frequency attached by ClinVar (database versions not stated): gnomAD exomes below 0.00001 and 0.00001; ExAC 0.00001.
gnomAD v4.1: 2 of 1,554,056 alleles (0.00013%); highest among the groups gnomAD compares: African/African-American, 0.0014%; no homozygotes.

Submissions (2):

Fulgent Genetics
Classification: Uncertain significance for Koolen-de Vries syndrome. Last evaluated: 2021-12-03. Review status: criteria provided, single submitter. Criteria: ACMG Guidelines, 2015. Collection method: clinical testing. Allele origin: unknown.

Labcorp Genetics (formerly Invitae), Labcorp
Classification: Uncertain significance for Koolen-de Vries syndrome. Last evaluated: 2019-07-09. Review status: criteria provided, single submitter. Criteria: Invitae Variant Classification Sherloc (09022015). Collection method: clinical testing. Allele origin: germline.
Comment: This sequence change replaces alanine with valine at codon 152 of the KANSL1 protein (p.Ala152Val). The alanine residue is highly conserved and there is a small physicochemical difference between alanine and valine. Algorithms developed to predict the effect of sequence changes on RNA splicing suggest that this variant may create or strengthen a splice site, but this prediction has not been confirmed by published transcriptional studies. Algorithms developed to predict the effect of missense changes on protein structure and function are either unavailable or do not agree on the potential impact of this missense change (SIFT: "Deleterious"; PolyPhen-2: "Benign"; Align-GVGD: "Class C0"). This variant has not been reported in the literature in individuals with KANSL1-related conditions. This variant is present in population databases (rs775582928, ExAC 0.002%). In summary, the available evidence is currently insufficient to determine the role of this variant in disease. Therefore, it has been classified as a Variant of Uncertain Significance.